The following is an entry in ClinVar:

NM_018367.7(ACER3):c.616G>A (p.Val206Ile)

Gene: ACER3 (alkaline ceramidase 3; plus strand). Cytogenetic location: 11q13.5.
Variant type: single nucleotide variant.
Coding change: c.616G>A on transcript NM_018367.7 (MANE Select); coding-DNA position 616, G replaced by A.
Protein change: p.Val206Ile; replaces valine 206 with isoleucine.
Molecular consequence: missense variant.
Genome position (GRCh38, 1-based): chr11:77,016,691, G>A. VCF-style: chr11-77016691-G-A. GRCh37 (hg19) VCF-style: chr11-76727735-G-A.
Other names: c.616G>A (NM_018367.5); c.505G>A, p.Val169Ile (NM_001300953.2); c.331G>A, p.Val111Ile (NM_001300954.2, NM_001300955.2); short protein forms V206I, V111I, V169I.
Identifiers: ClinVar variation 1512816 (VCV001512816.9), dbSNP rs1024651575, ClinGen allele CA224800369.

ClinVar aggregate classification (germline): Uncertain significance. Review status: criteria provided, multiple submitters, no conflicts (2 of 4 stars). 2 submissions from 2 submitters: Uncertain significance (2). Last evaluated 2025-04-20.

Allele frequency attached by ClinVar (database versions not stated): gnomAD exomes 0.00001.

Submissions (2):

Ambry Genetics
Classification: Uncertain significance. Last evaluated: 2025-04-20. Review status: criteria provided, single submitter. Criteria: Ambry Variant Classification Scheme 2023. Collection method: clinical testing. Allele origin: germline.

Labcorp Genetics (formerly Invitae), Labcorp
Classification: Uncertain significance. Last evaluated: 2021-07-14. Review status: criteria provided, single submitter. Criteria: Invitae Variant Classification Sherloc (09022015). Collection method: clinical testing. Allele origin: germline.
Comment: This sequence change replaces valine with isoleucine at codon 206 of the ACER3 protein (p.Val206Ile). The valine residue is weakly conserved and there is a small physicochemical difference between valine and isoleucine. This variant is not present in population databases (ExAC no frequency). This variant has not been reported in the literature in individuals with ACER3-related conditions. Algorithms developed to predict the effect of missense changes on protein structure and function (SIFT, PolyPhen-2, Align-GVGD) all suggest that this variant is likely to be tolerated, but these predictions have not been confirmed by published functional studies and their clinical significance is uncertain. In summary, the available evidence is currently insufficient to determine the role of this variant in disease. Therefore, it has been classified as a Variant of Uncertain Significance.